The following is an entry in ClinVar:

ClinVar aggregate classification (germline): Likely benign. Review status: criteria provided, multiple submitters, no conflicts (2 of 4 stars). 3 submissions from 3 submitters: Likely benign (2). 1 of the submissions does not count toward it. Last evaluated 2020-09-28.

Conditions:
Childhood absence epilepsy. Identifiers: Orphanet 64280, MedGen C4281785, MONDO:0010826.
GABRA6-related disorder. Also called: GABRA6-related condition.

Allele frequency attached by ClinVar (database versions not stated): TOPMed 0.00197; gnomAD 0.00226 and 0.00231; ESP Exome Variant Server 0.00277; gnomAD exomes 0.00309; ExAC 0.00330; 1000 Genomes Project 30x 0.00062; 1000 Genomes Project 0.00080.
gnomAD v4.1: 4,591 of 1,613,782 alleles (0.28%); highest among the groups gnomAD compares: Middle Eastern, 0.38%; 15 homozygotes.

Submissions (3):

Labcorp Genetics (formerly Invitae), Labcorp
Classification: Likely benign for Childhood absence epilepsy. Last evaluated: 2020-09-28. Review status: criteria provided, single submitter. Criteria: Invitae Variant Classification Sherloc (09022015). Collection method: clinical testing. Allele origin: germline.

Breakthrough Genomics
Classification: Likely benign. Review status: criteria provided, single submitter. Criteria: ACMG Guidelines, 2015. Collection method: not provided. Allele origin: germline. Inheritance: Unknown mechanism. Affected: yes.

PreventionGenetics, part of Exact Sciences
Classification: Likely benign for GABRA6-related condition. Last evaluated: 2019-06-17. Review status: no assertion criteria provided. Collection method: clinical testing. Allele origin: germline. Not counted in ClinVar's aggregate classification.
Comment: This variant is classified as likely benign based on ACMG/AMP sequence variant interpretation guidelines (Richards et al. 2015 PMID: 25741868, with internal and published modifications).

NM_000811.3(GABRA6):c.710A>G (p.Gln237Arg)

Gene: GABRA6 (gamma-aminobutyric acid type A receptor subunit alpha6; plus strand). Cytogenetic location: 5q34.
Variant type: single nucleotide variant.
Coding change: c.710A>G on transcript NM_000811.3 (MANE Select); coding-DNA position 710, A replaced by G.
Protein change: p.Gln237Arg; replaces glutamine 237 with arginine.
Molecular consequence: missense variant.
Genome position (GRCh38, 1-based): chr5:161,690,237, A>G. VCF-style: chr5-161690237-A-G. GRCh37 (hg19) VCF-style: chr5-161117243-A-G.
Other names: short protein forms Q237R.
Identifiers: ClinVar variation 477869 (VCV000477869.13), dbSNP rs76773579, ClinGen allele CA3543995.